The following is an entry in ClinVar:

NM_000494.4(COL17A1):c.629C>T (p.Thr210Met)

Gene: COL17A1 (collagen type XVII alpha 1 chain; minus strand). Cytogenetic location: 10q25.1.
Variant type: single nucleotide variant.
Coding change: c.629C>T on transcript NM_000494.4 (MANE Select); coding-DNA position 629, C replaced by T.
Protein change: p.Thr210Met; replaces threonine 210 with methionine.
Molecular consequence: missense variant.
Genome position (GRCh38, 1-based): chr10:104,064,575, G>A on the plus strand (C>T on the coding strand, the complement: COL17A1 is on the minus strand). VCF-style: chr10-104064575-G-A. GRCh37 (hg19) VCF-style: chr10-105824333-G-A.
Other names: c.629C>T, p.Thr210Met (LRG_1249t1); short protein forms T210M.
Identifiers: ClinVar variation 256276 (VCV000256276.18), dbSNP rs805708, ClinGen allele CA5679345.

ClinVar aggregate classification (germline): Benign. Review status: criteria provided, multiple submitters, no conflicts (2 of 4 stars). 7 submissions from 6 submitters: Benign (7). Last evaluated 2026-02-04.

Conditions:
Epithelial recurrent erosion dystrophy (ERED). Also called: CORNEAL EROSIONS, RECURRING HEREDITARY. Identifiers: Orphanet 293381, MedGen C1852551, MONDO:0007381, OMIM 122400.
Junctional epidermolysis bullosa, non-Herlitz type. Also called: Adult junctional epidermolysis bullosa; COL17A1-Related Junctional Epidermolysis Bullosa; Epidermolysis bullosa, junctional, non-herlitz type, somatic mosaic revertant; EPIDERMOLYSIS BULLOSA JUNCTIONALIS, DISENTIS TYPE; EPIDERMOLYSIS BULLOSA JUNCTIONALIS, NON-HERLITZ TYPE; EPIDERMOLYSIS BULLOSA JUNCTIONALIS, PROGRESSIVE. Identifiers: Orphanet 251393, Orphanet 79402, Orphanet 79405, Orphanet 89840, MedGen C0268374, MONDO:0009180, OMIM 226650.

Allele frequency attached by ClinVar (database versions not stated): 1000 Genomes Project 30x 0.55762; 1000 Genomes Project 0.56490; ESP Exome Variant Server 0.58511; TOPMed 0.59281; gnomAD 0.59454 and 0.59861; ExAC 0.67395; gnomAD exomes 0.67645 and 0.69688.

Submissions (7):

Labcorp Genetics (formerly Invitae), Labcorp
Classification: Benign. Last evaluated: 2026-02-04. Review status: criteria provided, single submitter. Criteria: Invitae Variant Classification Sherloc (09022015). Collection method: clinical testing. Allele origin: germline.

Genome-Nilou Lab
Classification: Benign for Junctional epidermolysis bullosa, non-Herlitz type. Last evaluated: 2021-07-22. Review status: criteria provided, single submitter. Criteria: ACMG Guidelines, 2015. Collection method: clinical testing. Allele origin: germline. Affected: no.

Genome-Nilou Lab
Classification: Benign for Epithelial recurrent erosion dystrophy. Last evaluated: 2021-07-22. Review status: criteria provided, single submitter. Criteria: ACMG Guidelines, 2015. Collection method: clinical testing. Allele origin: germline. Affected: no.

Illumina Laboratory Services, Illumina
Classification: Benign for Junctional epidermolysis bullosa, non-Herlitz type. Last evaluated: 2018-01-12. Review status: criteria provided, single submitter. Criteria: ICSL Variant Classification Criteria 13 December 2019. Collection method: clinical testing. Allele origin: germline.
Comment: This variant was observed in the ICSL laboratory as part of a predisposition screen in an ostensibly healthy population. It had not been previously curated by ICSL or reported in the Human Gene Mutation Database (HGMD: prior to June 1st, 2018), and was therefore a candidate for classification through an automated scoring system. Utilizing variant allele frequency, disease prevalence and penetrance estimates, and inheritance mode, an automated score was calculated to assess if this variant is too frequent to cause the disease. Based on the score and internal cut-off values, a variant classified as benign is not then subjected to further curation. The score for this variant resulted in a classification of benign for this disease.

GeneDx
Classification: Benign. Last evaluated: 2015-03-03. Review status: criteria provided, single submitter. Criteria: GeneDx Variant Classification Process June 2021. Collection method: clinical testing. Allele origin: germline. Affected: yes.

Breakthrough Genomics
Classification: Benign. Review status: criteria provided, single submitter. Criteria: ACMG Guidelines, 2015. Collection method: not provided. Allele origin: germline. Inheritance: Autosomal recessive inheritance. Affected: yes.

PreventionGenetics, part of Exact Sciences
Classification: Benign. Review status: criteria provided, single submitter. Criteria: ACMG Guidelines, 2015. Collection method: clinical testing. Allele origin: germline.